The following is an entry in ClinVar:

NM_018136.5(ASPM):c.9824A>C (p.His3275Pro)

Gene: ASPM (assembly factor for spindle microtubules; minus strand). Cytogenetic location: 1q31.3.
Variant type: single nucleotide variant.
Coding change: c.9824A>C on transcript NM_018136.5 (MANE Select); coding-DNA position 9824, A replaced by C.
Protein change: p.His3275Pro; replaces histidine 3275 with proline.
Molecular consequence: missense variant.
Genome position (GRCh38, 1-based): chr1:197,090,201, T>G on the plus strand (A>C on the coding strand, the complement: ASPM is on the minus strand). VCF-style: chr1-197090201-T-G. GRCh37 (hg19) VCF-style: chr1-197059331-T-G.
Other names: c.5069A>C, p.His1690Pro (NM_001206846.2); short protein forms H1690P, H3275P.
Identifiers: ClinVar variation 1384846 (VCV001384846.6), dbSNP rs2125088005, ClinGen allele CA344001591.

ClinVar aggregate classification (germline): Uncertain significance (1 of 4 stars; one submission).

Submission:

Labcorp Genetics (formerly Invitae), Labcorp
Classification: Uncertain significance. Last evaluated: 2021-12-02. Review status: criteria provided, single submitter. Criteria: Invitae Variant Classification Sherloc (09022015). Collection method: clinical testing. Allele origin: germline.
Comment: This sequence change replaces histidine, which is basic and polar, with proline, which is neutral and non-polar, at codon 3275 of the ASPM protein (p.His3275Pro). This variant is not present in population databases (gnomAD no frequency). This variant has not been reported in the literature in individuals affected with ASPM-related conditions. Algorithms developed to predict the effect of missense changes on protein structure and function are either unavailable or do not agree on the potential impact of this missense change (SIFT: "Deleterious"; PolyPhen-2: "Probably Damaging"; Align-GVGD: "Class C0"). In summary, the available evidence is currently insufficient to determine the role of this variant in disease. Therefore, it has been classified as a Variant of Uncertain Significance.